The following is an entry in ClinVar:

ClinVar aggregate classification (germline): Uncertain significance. Review status: criteria provided, single submitter (1 of 4 stars). 2 submissions from 2 submitters: Uncertain significance (1). 1 of the submissions does not count toward it. Last evaluated 2022-01-21.

Conditions:
GJB3-related disorder. Also called: GJB3-related condition.

Allele frequency attached by ClinVar (database versions not stated): gnomAD 0.00001; ExAC 0.00003; TOPMed 0.00003.
gnomAD v4.1: 88 of 1,614,030 alleles (0.0055%); highest among the groups gnomAD compares: Non-Finnish European, 0.0071%; no homozygotes.

Submissions (2):

Labcorp Genetics (formerly Invitae), Labcorp
Classification: Uncertain significance. Last evaluated: 2022-01-21. Review status: criteria provided, single submitter. Criteria: Invitae Variant Classification Sherloc (09022015). Collection method: clinical testing. Allele origin: germline.
Comment: This sequence change replaces glutamine, which is neutral and polar, with histidine, which is basic and polar, at codon 261 of the GJB3 protein (p.Gln261His). This variant is present in population databases (rs771511736, gnomAD 0.007%). This variant has not been reported in the literature in individuals affected with GJB3-related conditions. Algorithms developed to predict the effect of missense changes on protein structure and function output the following: SIFT: "Tolerated"; PolyPhen-2: "Benign"; Align-GVGD: "Class C0". The histidine amino acid residue is found in multiple mammalian species, which suggests that this missense change does not adversely affect protein function. In summary, the available evidence is currently insufficient to determine the role of this variant in disease. Therefore, it has been classified as a Variant of Uncertain Significance.

PreventionGenetics, part of Exact Sciences
Classification: Uncertain significance for GJB3-related condition. Last evaluated: 2023-12-21. Review status: no assertion criteria provided. Collection method: clinical testing. Allele origin: germline. Not counted in ClinVar's aggregate classification.
Comment: The GJB3 c.783G>C variant is predicted to result in the amino acid substitution p.Gln261His. This variant, along with a KRT10 variant, has been reported in the heterozygous state in multiple affected individuals from a family with erythrokeratoderma variabilis, but was also reported without the KRT10 variant in one unaffected family member (abstract P04.27.C, Hotz, A et al. 2020. PubMed ID: 33262485). This variant is reported in 0.0071% of alleles in individuals of European (Non-Finnish) descent in gnomAD. At this time, the clinical significance of this variant is uncertain due to the absence of conclusive functional and genetic evidence.

NM_024009.3(GJB3):c.783G>C (p.Gln261His)

Gene: GJB3 (gap junction protein beta 3; plus strand). Cytogenetic location: 1p34.3.
Variant type: single nucleotide variant.
Coding change: c.783G>C on transcript NM_024009.3 (MANE Select); coding-DNA position 783, G replaced by C.
Protein change: p.Gln261His; replaces glutamine 261 with histidine.
Molecular consequence: missense variant.
Genome position (GRCh38, 1-based): chr1:34,785,545, G>C. VCF-style: chr1-34785545-G-C. GRCh37 (hg19) VCF-style: chr1-35251146-G-C.
Other names: c.783G>C, p.Gln261His (NM_001005752.2); c.783G>C (NM_024009.2); short protein forms Q261H.
Identifiers: ClinVar variation 2415268 (VCV002415268.8), dbSNP rs771511736, ClinGen allele CA754908.
Genomic context (GRCh38, chr1:34,785,545, plus strand): 5'-CCACCACAAGCTGGTGGAGGCTGGGGAGGTGGATCCAGACCCAGGCAATAACAAGCTGCA[G>C]GCTTCAGCACCCAACCTGACCCCCATCTGACCACAGGGCAGGGGTGGGGCAACATGCGGG-3'
Protein context (NP_076872.1, residues 251-270): VDPDPGNNKL[Gln261His]ASAPNLTPI